The following is an entry in ClinVar:

NM_000548.5(TSC2):c.5363A>G (p.Tyr1788Cys)

Gene: TSC2 (TSC complex subunit 2; plus strand). Cytogenetic location: 16p13.3.
Variant type: single nucleotide variant.
Coding change: c.5363A>G on transcript NM_000548.5 (MANE Select); coding-DNA position 5363, A replaced by G.
Protein change: p.Tyr1788Cys; replaces tyrosine 1788 with cysteine.
Molecular consequence: missense variant.
Genome position (GRCh38, 1-based): chr16:2,088,549, A>G. VCF-style: chr16-2088549-A-G. GRCh37 (hg19) VCF-style: chr16-2138550-A-G.
Other names: c.5162A>G, p.Tyr1721Cys (NM_001077183.3); c.5294A>G, p.Tyr1765Cys (NM_001114382.3); c.5054A>G, p.Tyr1685Cys (NM_001318827.2); c.5018A>G, p.Tyr1673Cys (NM_001318829.2); c.4631A>G, p.Tyr1544Cys (NM_001318831.2); c.5195A>G, p.Tyr1732Cys (NM_001318832.2); c.5165A>G, p.Tyr1722Cys (NM_001363528.2); c.5231A>G, p.Tyr1744Cys (NM_001370404.1); and 2 more; short protein forms Y1788C, Y1744C, Y1544C, Y1721C, Y1722C, Y1765C, Y1673C, Y1732C.
Identifiers: ClinVar variation 449819 (VCV000449819.22), dbSNP rs397515221, ClinGen allele CA055219.
Genomic context (GRCh38, chr16:2,088,549, plus strand): 5'-TGCACCCTCCGTCCCATAGCAAAGCCCCTGCACAGACTCCAGCCGAGCCCACACCTGGCT[A>G]TGAGGTGGGCCAGCGGAAGCGCCTCATCTCCTCGGTGGAGGACTTCACCGAGTTTGTGTG-3'
Protein context (NP_000539.2, residues 1778-1798): AQTPAEPTPG[Tyr1788Cys]EVGQRKRLIS

ClinVar aggregate classification (germline): Conflicting classifications of pathogenicity. Review status: criteria provided, conflicting classifications (1 of 4 stars). 5 submissions from 5 submitters: Uncertain significance (1); Benign (1); Likely benign (3). Last evaluated 2024-10-25.

Conditions:
Hereditary cancer-predisposing syndrome. Also called: Tumor predisposition; Hereditary Cancer Syndrome; Neoplastic Syndromes, Hereditary; Hereditary neoplastic syndrome. Identifiers: Orphanet 140162, MedGen C0027672, MeSH D009386, MONDO:0015356.
Tuberous sclerosis syndrome (TSC). Also called: Tuberous sclerosis; Tuberous Sclerosis Complex. Identifiers: Orphanet 805, MedGen C0041341, MONDO:0001734.
Tuberous sclerosis 2 (TSC2). Identifiers: Orphanet 805, MedGen C1860707, MONDO:0013199, OMIM 613254.

Allele frequency attached by ClinVar (database versions not stated): TOPMed below 0.00001; gnomAD 0.00001; gnomAD exomes 0.00001 and 0.00002; ExAC 0.00003.
gnomAD v4.1: 13 of 1,611,758 alleles (0.00081%); highest among the groups gnomAD compares: East Asian, 0.0022%; no homozygotes.

Submissions (5):

Ambry Genetics
Classification: Uncertain significance for Hereditary cancer-predisposing syndrome. Last evaluated: 2024-10-25. Review status: criteria provided, single submitter. Criteria: Ambry Variant Classification Scheme 2023. Collection method: clinical testing. Allele origin: germline.
Comment: The p.Y1788C variant (also known as c.5363A>G), located in coding exon 41 of the TSC2 gene, results from an A to G substitution at nucleotide position 5363. The tyrosine at codon 1788 is replaced by cysteine, an amino acid with highly dissimilar properties. This amino acid position is not well conserved in available vertebrate species. In addition, the in silico prediction for this alteration is inconclusive. Based on the available evidence, the clinical significance of this variant remains unclear.

Labcorp Genetics (formerly Invitae), Labcorp
Classification: Benign for Tuberous sclerosis 2. Last evaluated: 2024-08-11. Review status: criteria provided, single submitter. Criteria: Invitae Variant Classification Sherloc (09022015). Collection method: clinical testing. Allele origin: germline.

Color Diagnostics, LLC DBA Color Health
Classification: Likely benign for Tuberous sclerosis syndrome. Last evaluated: 2023-10-12. Review status: criteria provided, single submitter. Criteria: ACMG Guidelines, 2015. Collection method: clinical testing. Allele origin: germline.

Genome-Nilou Lab
Classification: Likely benign for Tuberous sclerosis 2. Last evaluated: 2021-11-07. Review status: criteria provided, single submitter. Criteria: ACMG Guidelines, 2015. Collection method: clinical testing. Allele origin: germline. Affected: no.

GeneDx
Classification: Likely benign. Last evaluated: 2017-12-01. Review status: criteria provided, single submitter. Criteria: GeneDx Variant Classification Process June 2021. Collection method: clinical testing. Allele origin: germline. Affected: yes.